The following is an entry in ClinVar:

ClinVar aggregate classification (germline): Uncertain significance (1 of 4 stars; one submission).

Conditions:
Myoclonic dystonia 11 (DYT11). Also called: DYT-SGCE; Myoclonic dystonia; Dystonia 11; Dystonia, alcohol responsive; Hereditary essential myoclonus; SGCE Myoclonus-Dystonia. Identifiers: Orphanet 36899, MedGen C1834570, MONDO:0008044, OMIM 159900.

Allele frequency attached by ClinVar (database versions not stated): gnomAD exomes below 0.00001.
gnomAD v4.1: 1 of 1,613,500 alleles (0.000062%); highest among the groups gnomAD compares: Admixed American, 0.0017%; no homozygotes.

Submission:

Labcorp Genetics (formerly Invitae), Labcorp
Classification: Uncertain significance for Myoclonic dystonia 11. Last evaluated: 2022-08-23. Review status: criteria provided, single submitter. Criteria: Invitae Variant Classification Sherloc (09022015). Collection method: clinical testing. Allele origin: germline.
Comment: This sequence change replaces lysine, which is basic and polar, with asparagine, which is neutral and polar, at codon 302 of the SGCE protein (p.Lys302Asn). In summary, the available evidence is currently insufficient to determine the role of this variant in disease. Therefore, it has been classified as a Variant of Uncertain Significance. Algorithms developed to predict the effect of missense changes on protein structure and function (SIFT, PolyPhen-2, Align-GVGD) all suggest that this variant is likely to be tolerated. This variant has not been reported in the literature in individuals affected with SGCE-related conditions. This variant is not present in population databases (gnomAD no frequency).

NM_003919.3(SGCE):c.906A>C (p.Lys302Asn)

Genes: CASD1 (CAS1 domain sialic acid O acetyltransferase 1; plus strand), SGCE (sarcoglycan epsilon; minus strand). Cytogenetic location: 7q21.3.
Variant type: single nucleotide variant.
Coding change: c.906A>C on transcript NM_003919.3 (MANE Select); coding-DNA position 906, A replaced by C.
Protein change: p.Lys302Asn; replaces lysine 302 with asparagine.
Molecular consequence: missense variant.
Genome position (GRCh38, 1-based): chr7:94,600,777, T>G on the plus strand (A>C on the coding strand, the complement: SGCE is on the minus strand). VCF-style: chr7-94600777-T-G. GRCh37 (hg19) VCF-style: chr7-94230089-T-G.
Other names: c.906A>C, p.Lys302Asn (NM_001099400.2, NM_001099401.2, NM_001346717.2); c.783A>C, p.Lys261Asn (NM_001301139.2, NM_001362809.2); c.1014A>C, p.Lys338Asn (NM_001346713.2, NM_001346715.2); c.819A>C, p.Lys273Asn (NM_001346719.2, NM_001362807.2); c.633A>C, p.Lys211Asn (NM_001346720.2, NM_001362808.2); short protein forms K211N, K261N, K273N, K302N, K338N.
Identifiers: ClinVar variation 2417557 (VCV002417557.6), dbSNP rs1305397002, ClinGen allele CA368230988.